The following is an entry in ClinVar:

ClinVar aggregate classification (germline): Benign. Review status: criteria provided, multiple submitters, no conflicts (2 of 4 stars). 2 submissions from 2 submitters: Benign (2). Last evaluated 2021-07-10.

Conditions:
Congenital lactic acidosis, Saguenay-Lac-Saint-Jean type (MC4DN5). Also called: CYTOCHROME c OXIDASE DEFICIENCY, FRENCH CANADIAN TYPE; COX DEFICIENCY, FRENCH CANADIAN TYPE; MITOCHONDRIAL COMPLEX IV DEFICIENCY, NUCLEAR TYPE 5. Identifiers: Orphanet 70472, MedGen C1857355, MONDO:0009069, OMIM 220111.

Allele frequency attached by ClinVar (database versions not stated): 1000 Genomes Project 0.26258; 1000 Genomes Project 30x 0.26780; TOPMed 0.34201; gnomAD 0.35893 and 0.36352.
gnomAD v4.1: 54,433 of 151,954 alleles (36%); highest among the groups gnomAD compares: Non-Finnish European, 43%; 10,371 homozygotes.

Submissions (3):

Genome-Nilou Lab
Classification: Benign for Congenital lactic acidosis, Saguenay-Lac-Saint-Jean type. Last evaluated: 2021-07-10. Review status: criteria provided, single submitter. Criteria: ACMG Guidelines, 2015. Collection method: clinical testing. Allele origin: germline. Affected: no.

GeneDx
Classification: Benign. Last evaluated: 2018-06-14. Review status: criteria provided, single submitter. Criteria: GeneDx Variant Classification (06012015). Collection method: clinical testing. Allele origin: germline. Affected: yes.
Comment: This variant is considered likely benign or benign based on one or more of the following criteria: it is a conservative change, it occurs at a poorly conserved position in the protein, it is predicted to be benign by multiple in silico algorithms, and/or has population frequency not consistent with disease.

Dr. Peter K. Rogan Lab, Western University
No classification provided (evidence only). Condition: Familial cancer of breast. Review status: no classification provided. Collection method: in vitro. Allele origin: not applicable. Functional consequence: retained intron. Not counted in ClinVar's aggregate classification.

NM_133259.4(LRPPRC):c.150-233G>T

Gene: LRPPRC (leucine rich pentatricopeptide repeat containing; minus strand). Cytogenetic location: 2p21.
Variant type: single nucleotide variant.
Coding change: c.150-233G>T on transcript NM_133259.4 (MANE Select); 233 bases into the intron before coding-DNA position 150, G replaced by T.
Molecular consequence: intron variant.
Genome position (GRCh38, 1-based): chr2:43,982,667, C>A on the plus strand (G>T on the coding strand, the complement: LRPPRC is on the minus strand). VCF-style: chr2-43982667-C-A. GRCh37 (hg19) VCF-style: chr2-44209806-C-A.
Other names: NC_000002.11:g.44209806C>A.
Identifiers: ClinVar variation 684307 (VCV000684307.5), dbSNP rs4276071, ClinGen allele CA46449174.